The following is an entry in ClinVar:

ClinVar aggregate classification (germline): Uncertain significance (1 of 4 stars; one submission).

Conditions:
Epidermolysis bullosa simplex with nail dystrophy (EBS5D). Identifiers: MedGen C4225309, MONDO:0014661, OMIM 616487.
Epidermolysis bullosa simplex, Ogna type (EBS5A). Also called: Pidermolysis bullosa simplex 5A, Ogna type; EPIDERMOLYSIS BULLOSA SIMPLEX 5A, OGNA TYPE. Identifiers: Orphanet 79401, MedGen C0432317, MONDO:0007555, OMIM 131950.
Autosomal recessive limb-girdle muscular dystrophy type 2Q (LGMDR17). Also called: MUSCULAR DYSTROPHY, LIMB-GIRDLE, AUTOSOMAL RECESSIVE 17. Identifiers: Orphanet 254361, MedGen C3150989, MONDO:0013390, OMIM 613723.
Epidermolysis bullosa simplex 5B, with muscular dystrophy (EBS5B). Also called: EPIDERMOLYSIS BULLOSA SIMPLEX AND LIMB-GIRDLE MUSCULAR DYSTROPHY; Epidermolysis bullosa simplex with muscular dystrophy. Identifiers: Orphanet 257, MedGen C2931072, MONDO:0009181, OMIM 226670.
Epidermolysis bullosa simplex 5C, with pyloric atresia (EBS5C). Also called: PLEC-Related Epidermolysis Bullosa with Pyloric Atresia; Epidermolysis bullosa simplex with pyloric atresia; PLEC1-Related Epidermolysis Bullosa with Pyloric Atresia. Identifiers: Orphanet 158684, MedGen C2677349, MONDO:0012807, OMIM 612138.

Submission:

Labcorp Genetics (formerly Invitae), Labcorp
Classification: Uncertain significance for Autosomal recessive limb-girdle muscular dystrophy type 2Q; Epidermolysis bullosa simplex, Ogna type; Epidermolysis bullosa simplex with nail dystrophy; Epidermolysis bullosa simplex 5C, with pyloric atresia; Epidermolysis bullosa simplex 5B, with muscular dystrophy. Last evaluated: 2022-07-18. Review status: criteria provided, single submitter. Criteria: Invitae Variant Classification Sherloc (09022015). Collection method: clinical testing. Allele origin: germline.
Comment: In summary, the available evidence is currently insufficient to determine the role of this variant in disease. Therefore, it has been classified as a Variant of Uncertain Significance. This sequence change replaces arginine, which is basic and polar, with glycine, which is neutral and non-polar, at codon 40 of the PLEC protein (p.Arg40Gly). This variant is not present in population databases (gnomAD no frequency). This variant has not been reported in the literature in individuals affected with PLEC-related conditions. ClinVar contains an entry for this variant (Variation ID: 1472371). Algorithms developed to predict the effect of missense changes on protein structure and function are either unavailable or do not agree on the potential impact of this missense change (SIFT: "Tolerated"; PolyPhen-2: "Not Available"; Align-GVGD: "Class C0").

NM_000445.5(PLEC):c.118C>G (p.Arg40Gly)

Gene: PLEC (plectin; minus strand). Cytogenetic location: 8q24.3.
Variant type: single nucleotide variant.
Coding change: c.118C>G on transcript NM_000445.5; coding-DNA position 118, C replaced by G.
Protein change: p.Arg40Gly; replaces arginine 40 with glycine.
Molecular consequence: missense variant.
Genome position (GRCh38, 1-based): chr8:143,975,252, G>C on the plus strand (C>G on the coding strand, the complement: PLEC is on the minus strand). VCF-style: chr8-143975252-G-C. GRCh37 (hg19) VCF-style: chr8-145049420-G-C.
Other names: c.118C>G, p.Arg40Gly (NM_001410941.1); short protein forms R40G.
Identifiers: ClinVar variation 1472371 (VCV001472371.7), dbSNP rs781877536, ClinGen allele CA372491747.